The following is an entry in ClinVar:

ClinVar aggregate classification (germline): Benign/Likely benign. Review status: criteria provided, multiple submitters, no conflicts (2 of 4 stars). 13 submissions from 11 submitters: Benign (10); Likely benign (3). Last evaluated 2026-01-29.

Conditions:
Phosphoribosylpyrophosphate synthetase superactivity. Identifiers: Orphanet 3222, MedGen C1970827, MONDO:0010395, OMIM 300661.
Arts syndrome (ARTS). Also called: MENTAL RETARDATION, X-LINKED, SYNDROMIC 18; MENTAL RETARDATION, X-LINKED, SYNDROMIC, ARTS TYPE; ARTS SYNDROME AND PHOSPHORIBOSYLPYROPHOSPHATE SYNTHETASE SUPERACTIVITY. Identifiers: Orphanet 1187, MedGen C0796028, MONDO:0010533, OMIM 301835.
Hearing loss, X-linked 1 (DFNX1). Also called: DFNX1 Nonsyndromic Hearing Loss and Deafness; DFNX1 Nonsyndromic Sensorineural Hearing Loss (DFN2); DEAFNESS, X-LINKED 2, SENSORINEURAL CONGENITAL; DEAFNESS, X-LINKED 1. Identifiers: Orphanet 90625, MedGen C1844677, MONDO:0010577, OMIM 304500.
History of neurodevelopmental disorder. Identifiers: MedGen C2711754.
Charcot-Marie-Tooth Neuropathy X. Identifiers: MedGen CN118851.

Allele frequency attached by ClinVar (database versions not stated): TOPMed 0.00783; 1000 Genomes Project 30x 0.00791; 1000 Genomes Project 0.00874; ESP Exome Variant Server 0.01127; gnomAD exomes 0.00238; ExAC 0.00304; gnomAD 0.00632.
gnomAD v4.1: 1,772 of 1,209,968 alleles (0.15%); highest among the groups gnomAD compares: African/African-American, 2.7%; 14 homozygotes.

Submissions (13):

Labcorp Genetics (formerly Invitae), Labcorp
Classification: Benign for Charcot-Marie-Tooth Neuropathy X. Last evaluated: 2026-01-29. Review status: criteria provided, single submitter. Criteria: Invitae Variant Classification Sherloc (09022015). Collection method: clinical testing. Allele origin: germline.

Mayo Clinic Laboratories, Mayo Clinic
Classification: Benign. Last evaluated: 2025-04-21. Review status: criteria provided, single submitter. Criteria: ACMG Guidelines, 2015. Collection method: clinical testing. Allele origin: germline. Observed: 4 variant alleles.
Comment: BS1, BS2, BP4, BP7

Blueprint Genetics
Classification: Likely benign. Last evaluated: 2024-10-08. Review status: criteria provided, single submitter. Criteria: ACMG Guidelines, 2015. Collection method: clinical testing. Allele origin: germline.

Illumina Laboratory Services, Illumina
Classification: Benign for Arts syndrome. Last evaluated: 2018-01-12. Review status: criteria provided, single submitter. Criteria: ICSL Variant Classification Criteria 13 December 2019. Collection method: clinical testing. Allele origin: germline.
Comment: This variant was observed in the ICSL laboratory as part of a predisposition screen in an ostensibly healthy population. It had not been previously curated by ICSL or reported in the Human Gene Mutation Database (HGMD: prior to June 1st, 2018), and was therefore a candidate for classification through an automated scoring system. Utilizing variant allele frequency, disease prevalence and penetrance estimates, and inheritance mode, an automated score was calculated to assess if this variant is too frequent to cause the disease. Based on the score and internal cut-off values, a variant classified as benign is not then subjected to further curation. The score for this variant resulted in a classification of benign for this disease.

Illumina Laboratory Services, Illumina
Classification: Benign for Phosphoribosylpyrophosphate synthetase superactivity. Last evaluated: 2018-01-12. Review status: criteria provided, single submitter. Criteria: ICSL Variant Classification Criteria 13 December 2019. Collection method: clinical testing. Allele origin: germline.
Comment: the same text as in the submission from Illumina Laboratory Services, Illumina above.

Illumina Laboratory Services, Illumina
Classification: Benign for Hearing loss, X-linked 1. Last evaluated: 2018-01-12. Review status: criteria provided, single submitter. Criteria: ICSL Variant Classification Criteria 13 December 2019. Collection method: clinical testing. Allele origin: germline.
Comment: the same text as in the submission from Illumina Laboratory Services, Illumina above.

ARUP Laboratories, Molecular Genetics and Genomics, ARUP Laboratories
Classification: Benign. Last evaluated: 2017-11-17. Review status: criteria provided, single submitter. Criteria: ARUP Molecular Germline Variant Investigation Process. Collection method: clinical testing. Allele origin: germline.

GeneDx
Classification: Benign. Last evaluated: 2015-09-01. Review status: criteria provided, single submitter. Criteria: GeneDx Variant Classification (06012015). Collection method: clinical testing. Allele origin: germline. Affected: yes.
Comment: This variant is considered likely benign or benign based on one or more of the following criteria: it is a conservative change, it occurs at a poorly conserved position in the protein, it is predicted to be benign by multiple in silico algorithms, and/or has population frequency not consistent with disease.

Eurofins Ntd Llc (ga)
Classification: Benign. Last evaluated: 2014-07-07. Review status: criteria provided, single submitter. Criteria: EGL Classification Definitions 2015. Collection method: clinical testing. Allele origin: germline. Observed: 1 variant allele, 1 hemizygote.

Laboratory for Molecular Medicine, Mass General Brigham Personalized Medicine
Classification: Benign. Last evaluated: 2013-10-11. Review status: criteria provided, single submitter. Criteria: LMM Criteria. Collection method: clinical testing. Allele origin: germline. Observed: 6 variant alleles.
Comment: Leu152Leu in Exon 04 of PRPS1: This variant is not expected to have clinical sig nificance because it does not alter an amino acid residue, is not located within the splice consensus sequence, and has been identified in 3.4% (109/3216) of Af rican American chromosomes from a broad population by the NHLBI Exome Sequencing Project (dbSNP rs61735617).

Ambry Genetics
Classification: Likely benign for History of neurodevelopmental disorder. Last evaluated: 2013-02-05. Review status: criteria provided, single submitter. Criteria: Ambry Autosomal Dominant and X-Linked criteria (10/2015). Collection method: clinical testing. Allele origin: germline. Observed: 1 variant allele.

Breakthrough Genomics
Classification: Likely benign. Review status: criteria provided, single submitter. Criteria: ACMG Guidelines, 2015. Collection method: not provided. Allele origin: germline. Inheritance: X-linked inheritance. Affected: yes.

PreventionGenetics, part of Exact Sciences
Classification: Benign. Review status: criteria provided, single submitter. Criteria: ACMG Guidelines, 2015. Collection method: clinical testing. Allele origin: germline.

NM_002764.4(PRPS1):c.456A>G (p.Leu152=)

Gene: PRPS1 (phosphoribosyl pyrophosphate synthetase 1; plus strand). Cytogenetic location: Xq22.3.
Variant type: single nucleotide variant.
Coding change: c.456A>G on transcript NM_002764.4 (MANE Select); coding-DNA position 456, A replaced by G.
Protein change: p.Leu152=; no amino-acid change (leucine 152 retained).
Molecular consequence: synonymous variant. On other transcripts: intron variant (1).
Genome position (GRCh38, 1-based): chrX:107,642,416, A>G. VCF-style: chrX-107642416-A-G. GRCh37 (hg19) VCF-style: chrX-106885646-A-G.
Other names: p.Leu152=; c.-82-2761A>G (NM_001204402.2).
Identifiers: ClinVar variation 164996 (VCV000164996.37), dbSNP rs61735617, ClinGen allele CA177662.